The following is an entry in ClinVar:

NM_000038.6(APC):c.437C>G (p.Ala146Gly)

Gene: APC (APC regulator of Wnt signaling pathway; plus strand). Cytogenetic location: 5q22.2.
Variant type: single nucleotide variant.
Coding change: c.437C>G on transcript NM_000038.6 (MANE Select); coding-DNA position 437, C replaced by G.
Protein change: p.Ala146Gly; replaces alanine 146 with glycine.
Molecular consequence: missense variant. On other transcripts: 5 prime UTR variant (1).
Genome position (GRCh38, 1-based): chr5:112,775,643, C>G. VCF-style: chr5-112775643-C-G. GRCh37 (hg19) VCF-style: chr5-112111340-C-G.
Other names: c.437C>G, p.Ala146Gly (NM_001127510.3, NM_001354895.2, NM_001354896.2 and 2 more transcripts); c.467C>G, p.Ala156Gly (NM_001127511.3, NM_001354897.2, NM_001354902.2); c.362C>G, p.Ala121Gly (NM_001354898.2, NM_001354904.2); c.260C>G, p.Ala87Gly (NM_001354900.2, NM_001354901.2, NM_001354905.2); c.-599C>G (NM_001354906.2); short protein forms A146G, A87G, A121G, A156G.
Identifiers: ClinVar variation 967145 (VCV000967145.12), dbSNP rs1305794169, ClinGen allele CA16022276.

ClinVar aggregate classification (germline): Uncertain significance. Review status: criteria provided, multiple submitters, no conflicts (2 of 4 stars). 2 submissions from 2 submitters: Uncertain significance (2). Last evaluated 2024-08-13.

Conditions:
Classic or attenuated familial adenomatous polyposis. Identifiers: MedGen CN372698, MONDO:0021057.
Familial adenomatous polyposis 1 (FAP1). Also called: POLYPOSIS, ADENOMATOUS INTESTINAL; FAMILIAL ADENOMATOUS POLYPOSIS 1, ATTENUATED. Identifiers: MedGen C2713442, MONDO:0021056, OMIM 175100. Disease mechanism: loss of function.

gnomAD v4.1: 1 of 1,600,350 alleles (0.000062%); highest among the groups gnomAD compares: South Asian, 0.0011%; no homozygotes.

Submissions (2):

All of Us Research Program, National Institutes of Health
Classification: Uncertain significance for Classic or attenuated familial adenomatous polyposis. Last evaluated: 2024-08-13. Review status: criteria provided, single submitter. Criteria: ACMG Guidelines, 2015. Collection method: clinical testing. Allele origin: germline. Inheritance: Autosomal dominant inheritance. Observed: 1 variant allele, 1 heterozygote.
Comment: This missense variant replaces alanine with glycine at codon 146 of the APC protein. Computational prediction suggests that this variant may not impact protein structure and function (internally defined REVEL score threshold <= 0.5, PMID: 27666373). To our knowledge, functional studies have not been reported for this variant. This variant has not been reported in individuals affected with APC-related disorders in the literature. This variant has not been identified in the general population by the Genome Aggregation Database (gnomAD). The available evidence is insufficient to determine the role of this variant in disease conclusively. Therefore, this variant is classified as a Variant of Uncertain Significance.

This study involves interpretation of variants in research participants for the purpose of population health screening. Participant phenotype was not available at the time of variant classification. Additional details can be found in publication PMID: 35346344, PMCID: PMC8962531

Labcorp Genetics (formerly Invitae), Labcorp
Classification: Uncertain significance for Familial adenomatous polyposis 1. Last evaluated: 2019-10-21. Review status: criteria provided, single submitter. Criteria: Invitae Variant Classification Sherloc (09022015). Collection method: clinical testing. Allele origin: germline.
Comment: In summary, the available evidence is currently insufficient to determine the role of this variant in disease. Therefore, it has been classified as a Variant of Uncertain Significance. Algorithms developed to predict the effect of missense changes on protein structure and function are either unavailable or do not agree on the potential impact of this missense change (SIFT: "Deleterious"; PolyPhen-2: "Benign"; Align-GVGD: "Class C0"). This variant has not been reported in the literature in individuals with APC-related conditions. This variant is not present in population databases (ExAC no frequency). This sequence change replaces alanine with glycine at codon 146 of the APC protein (p.Ala146Gly). The alanine residue is highly conserved and there is a small physicochemical difference between alanine and glycine.